The following is an entry in ClinVar:

ClinVar aggregate classification (germline): Conflicting classifications of pathogenicity. Review status: criteria provided, conflicting classifications (1 of 4 stars). 4 submissions from 4 submitters: Uncertain significance (3); Likely benign (1). Last evaluated 2025-02-01.

Conditions:
Myopathy, lactic acidosis, and sideroblastic anemia 1 (MLASA1). Identifiers: Orphanet 2598, MedGen C4551958, MONDO:0024553, OMIM 600462.

Allele frequency attached by ClinVar (database versions not stated): gnomAD 0.00007 and 0.00014; ESP Exome Variant Server 0.00008; TOPMed 0.00009; gnomAD exomes 0.00010 and 0.00012; ExAC 0.00011; 1000 Genomes Project 30x 0.00016; 1000 Genomes Project 0.00020.

Submissions (4):

CeGaT Center for Human Genetics Tuebingen
Classification: Likely benign. Last evaluated: 2025-02-01. Review status: criteria provided, single submitter. Criteria: CeGaT Center For Human Genetics Tuebingen Variant Classification Criteria Version 2. Collection method: clinical testing. Allele origin: germline. Affected: yes. Observed: 1 variant allele.
Comment: PUS1: BP4

Labcorp Genetics (formerly Invitae), Labcorp
Classification: Uncertain significance. Last evaluated: 2024-10-08. Review status: criteria provided, single submitter. Criteria: Invitae Variant Classification Sherloc (09022015). Collection method: clinical testing. Allele origin: germline.
Comment: This sequence change replaces valine, which is neutral and non-polar, with isoleucine, which is neutral and non-polar, at codon 217 of the PUS1 protein (p.Val217Ile). This variant is present in population databases (rs200591614, gnomAD 0.09%). This variant has not been reported in the literature in individuals affected with PUS1-related conditions. ClinVar contains an entry for this variant (Variation ID: 883357). An algorithm developed to predict the effect of missense changes on protein structure and function (PolyPhen-2) suggests that this variant¬†is likely to be tolerated. In summary, the available evidence is currently insufficient to determine the role of this variant in disease. Therefore, it has been classified as a Variant of Uncertain Significance.

GeneDx
Classification: Uncertain significance. Last evaluated: 2019-09-06. Review status: criteria provided, single submitter. Criteria: GeneDx Variant Classification Process June 2021. Collection method: clinical testing. Allele origin: germline. Affected: yes.
Comment: In silico analysis, which includes protein predictors and evolutionary conservation, supports that this variant does not alter protein structure/function; Has not been previously published as pathogenic or benign to our knowledge

Illumina Laboratory Services, Illumina
Classification: Uncertain significance for Myopathy, lactic acidosis, and sideroblastic anemia 1. Last evaluated: 2018-01-13. Review status: criteria provided, single submitter. Criteria: ICSL Variant Classification Criteria 13 December 2019. Collection method: clinical testing. Allele origin: germline.

NM_025215.6(PUS1):c.649G>A (p.Val217Ile)

Gene: PUS1 (pseudouridine synthase 1; plus strand). Cytogenetic location: 12q24.33.
Variant type: single nucleotide variant.
Coding change: c.649G>A on transcript NM_025215.6 (MANE Select); coding-DNA position 649, G replaced by A.
Protein change: p.Val217Ile; replaces valine 217 with isoleucine.
Molecular consequence: missense variant.
Genome position (GRCh38, 1-based): chr12:131,941,396, G>A. VCF-style: chr12-131941396-G-A. GRCh37 (hg19) VCF-style: chr12-132425941-G-A.
Other names: c.565G>A, p.Val189Ile (NM_001002019.3, NM_001002020.3); short protein forms V217I, V189I.
Identifiers: ClinVar variation 883357 (VCV000883357.16), dbSNP rs200591614, ClinGen allele CA6884211.